The following is an entry in ClinVar:

ClinVar aggregate classification (germline): Benign/Likely benign. Review status: criteria provided, multiple submitters, no conflicts (2 of 4 stars). 3 submissions from 3 submitters: Benign (1); Likely benign (2). Last evaluated 2019-02-04.

Conditions:
Dystonia 16 (DYT16). Also called: DYT-PRKRA. Identifiers: Orphanet 210571, MedGen C2677567, MONDO:0012789, OMIM 612067.

Allele frequency attached by ClinVar (database versions not stated): TOPMed 0.01098; 1000 Genomes Project 30x 0.01249; gnomAD exomes 0.00086; gnomAD 0.01037 and 0.00973; 1000 Genomes Project 0.01158.
gnomAD v4.1: 2,152 of 894,838 alleles (0.24%); highest among the groups gnomAD compares: African/African-American, 3.3%; 23 homozygotes.

Submissions (3):

GeneDx
Classification: Likely benign. Last evaluated: 2019-02-04. Review status: criteria provided, single submitter. Criteria: GeneDx Variant Classification Process June 2021. Collection method: clinical testing. Allele origin: germline. Affected: yes.

Illumina Laboratory Services, Illumina
Classification: Benign for Dystonia 16. Last evaluated: 2018-01-12. Review status: criteria provided, single submitter. Criteria: ICSL Variant Classification Criteria 13 December 2019. Collection method: clinical testing. Allele origin: germline.
Comment: This variant was observed in the ICSL laboratory as part of a predisposition screen in an ostensibly healthy population. It had not been previously curated by ICSL or reported in the Human Gene Mutation Database (HGMD: prior to June 1st, 2018), and was therefore a candidate for classification through an automated scoring system. Utilizing variant allele frequency, disease prevalence and penetrance estimates, and inheritance mode, an automated score was calculated to assess if this variant is too frequent to cause the disease. Based on the score and internal cut-off values, a variant classified as benign is not then subjected to further curation. The score for this variant resulted in a classification of benign for this disease.

Breakthrough Genomics
Classification: Likely benign. Review status: criteria provided, single submitter. Criteria: ACMG Guidelines, 2015. Collection method: not provided. Allele origin: germline. Inheritance: Autosomal recessive inheritance. Affected: yes.

NM_003690.5(PRKRA):c.*159T>C

Genes: CHROMR (cholesterol induced regulator of metabolism RNA; plus strand), PRKRA (protein activator of interferon induced protein kinase EIF2AK2; minus strand). Cytogenetic location: 2q31.2.
Variant type: single nucleotide variant.
Coding change: c.*159T>C on transcript NM_003690.5 (MANE Select); 159 bases downstream of the stop codon, T replaced by C.
Molecular consequence: 3 prime UTR variant.
Genome position (GRCh38, 1-based): chr2:178,431,938, A>G on the plus strand (T>C on the coding strand, the complement: PRKRA is on the minus strand). VCF-style: chr2-178431938-A-G. GRCh37 (hg19) VCF-style: chr2-179296665-A-G.
Other names: c.*159T>C (NM_001139517.2, NM_001139518.2, NM_001316362.2).
Identifiers: ClinVar variation 332617 (VCV000332617.8), dbSNP rs115244185, ClinGen allele CA10612955.